The following is an entry in ClinVar:

ClinVar aggregate classification (germline): Uncertain significance (1 of 4 stars; one submission).

Conditions:
Joubert syndrome. Also called: CEREBELLOPARENCHYMAL DISORDER IV; JOUBERT-BOLTSHAUSER SYNDROME; Familial aplasia of the vermis. Identifiers: Orphanet 475, MedGen C5979921, MONDO:0018772.

Submission:

Labcorp Genetics (formerly Invitae), Labcorp
Classification: Uncertain significance for Joubert syndrome. Last evaluated: 2021-08-28. Review status: criteria provided, single submitter. Criteria: Invitae Variant Classification Sherloc (09022015). Collection method: clinical testing. Allele origin: germline.
Comment: This sequence change replaces phenylalanine with cysteine at codon 75 of the TMEM216 protein (p.Phe75Cys). The phenylalanine residue is highly conserved and there is a large physicochemical difference between phenylalanine and cysteine. This variant is not present in population databases (ExAC no frequency). This variant has not been reported in the literature in individuals affected with TMEM216-related conditions. Algorithms developed to predict the effect of missense changes on protein structure and function (SIFT, PolyPhen-2, Align-GVGD) all suggest that this variant is likely to be disruptive. In summary, the available evidence is currently insufficient to determine the role of this variant in disease. Therefore, it has been classified as a Variant of Uncertain Significance.

NM_001173990.3(TMEM216):c.224T>G (p.Phe75Cys)

Gene: TMEM216 (transmembrane protein 216; plus strand). Cytogenetic location: 11q12.2.
Variant type: single nucleotide variant.
Coding change: c.224T>G on transcript NM_001173990.3 (MANE Select); coding-DNA position 224, T replaced by G.
Protein change: p.Phe75Cys; replaces phenylalanine 75 with cysteine.
Molecular consequence: missense variant.
Genome position (GRCh38, 1-based): chr11:61,393,971, T>G. VCF-style: chr11-61393971-T-G. GRCh37 (hg19) VCF-style: chr11-61161443-T-G.
Other names: c.224T>G, p.Phe75Cys (NM_001173991.3); c.41T>G, p.Phe14Cys (NM_001330285.2, NM_016499.6); short protein forms F14C, F75C.
Identifiers: ClinVar variation 1433371 (VCV001433371.5), dbSNP rs1298138851, ClinGen allele CA380685191.